The following is an entry in ClinVar:

ClinVar aggregate classification (germline): Pathogenic (1 of 4 stars; one submission).

Submission:

GeneDx
Classification: Pathogenic. Last evaluated: 2017-08-30. Review status: criteria provided, single submitter. Criteria: GeneDx Variant Classification (06012015). Collection method: clinical testing. Allele origin: germline. Affected: yes.
Comment: The c.6492dupT variant in the CACNA1A gene has not been reported previously as a pathogenic variant nor as a benign variant, to our knowledge. The c.6492dupT variant causes a frameshift starting with codon Glutamic acid, changes this amino acid to a premature Stop codon, denoted p.Glu2165Ter. This variant is predicted to cause loss of normal protein function either through protein truncation or nonsense-mediated mRNA decay. Adequate data is not available in large population cohorts to assess the frequency of this variant in publicly available databases; however, this variant has not been detected in presumably healthy individuals tested at GeneDx. We interpret c.6492dupT as a pathogenic variant.

NM_001127222.2(CACNA1A):c.6489dup (p.Glu2164Ter)

Gene: CACNA1A (calcium voltage-gated channel subunit alpha1 A; minus strand). Cytogenetic location: 19p13.13.
Variant type: Duplication.
Coding change: c.6489dup on transcript NM_001127222.2 (MANE Select); coding-DNA position 6489, one base duplicated (T; older notation c.6489dupT).
Protein change: p.Glu2164Ter; replaces glutamic acid 2164 with a stop codon.
Molecular consequence: nonsense.
Genome position (GRCh38, 1-based): chr19:13,209,349, A duplicated on the plus strand (T on the coding strand, the reverse complement: CACNA1A is on the minus strand). VCF-style (leftmost placement, unchanged base first): chr19-13209348-C-CA. GRCh37 (hg19) VCF-style: chr19-13320162-C-CA.
Other names: c.6492dupT (NM_001127221.1); c.6507dup, p.Glu2170Ter (NM_000068.4, NM_023035.3); c.6492dup, p.Glu2165Ter (NM_001127221.2); c.6498dup, p.Glu2167Ter (NM_001174080.2); short protein forms E2170*, E2167*, E2164*, E2165*.
Identifiers: ClinVar variation 451719 (VCV000451719.2), dbSNP rs1555730801, ClinGen allele CA658658794.